The following is an entry in ClinVar:

NM_018418.5(SPATA7):c.890A>T (p.Asp297Val)

Gene: SPATA7 (spermatogenesis associated 7; plus strand). Cytogenetic location: 14q31.3.
Variant type: single nucleotide variant.
Coding change: c.890A>T on transcript NM_018418.5 (MANE Select); coding-DNA position 890, A replaced by T.
Protein change: p.Asp297Val; replaces aspartic acid 297 with valine.
Molecular consequence: missense variant.
Genome position (GRCh38, 1-based): chr14:88,427,674, A>T. VCF-style: chr14-88427674-A-T. GRCh37 (hg19) VCF-style: chr14-88894018-A-T.
Other names: c.794A>T, p.Asp265Val (NM_001040428.4); short protein forms D297V, D265V.
Identifiers: ClinVar variation 886685 (VCV000886685.16), dbSNP rs769211713, ClinGen allele CA7298622.
Genomic context (GRCh38, chr14:88,427,674, plus strand): 5'-TTTTAAATTATTACAGCTTTAAATCTGAGTTGGGGACAGCTGAGACTAAAAACATGACAG[A>T]TTCAGAAATGAACATAAAGCAGGTAATAAGTATGAAATCTTTTGGTATTGCTACATTTGA-3'
Protein context (NP_060888.2, residues 287-307): LGTAETKNMT[Asp297Val]SEMNIKQASN

ClinVar aggregate classification (germline): Uncertain significance. Review status: criteria provided, multiple submitters, no conflicts (2 of 4 stars). 7 submissions from 6 submitters: Uncertain significance (7). Last evaluated 2025-05-22.

Conditions:
Retinal dystrophy. Also called: Inherited retinal dystrophy. Identifiers: Orphanet 71862, MedGen C0854723, MeSH D058499, MONDO:0019118, HP:0000556.
SPATA7-related disorder. Also called: SPATA7-related disorders; SPATA7-related condition. Identifiers: MedGen CN239422.
Retinitis pigmentosa (RP). Identifiers: Orphanet 791, MedGen C0035334, MeSH D012174, MONDO:0019200, OMIM 268000. Inheritance: Autosomal dominant, autosomal recessive and X linked inheritance.
Leber congenital amaurosis 3 (LCA3). Also called: SPATA7-Related Retinitis Pigmentosa. Identifiers: MedGen C1858677, MONDO:0011415, OMIM 604232.

Allele frequency attached by ClinVar (database versions not stated): ExAC 0.00001; gnomAD 0.00001 and 0.00003; gnomAD exomes 0.00002 and 0.00007; TOPMed 0.00002.
gnomAD v4.1: 107 of 1,610,062 alleles (0.0066%); highest among the groups gnomAD compares: East Asian, 0.23%; 1 homozygote.

Submissions (7):

PreventionGenetics, part of Exact Sciences
Classification: Uncertain significance for SPATA7-related condition. Last evaluated: 2025-05-22. Review status: criteria provided, single submitter. Criteria: ACMG Guidelines, 2015. Collection method: clinical testing. Allele origin: germline.
Comment: The SPATA7 c.890A>T variant is predicted to result in the amino acid substitution p.Asp297Val. To our knowledge, this variant has not been reported in individuals with SPATA7-related disease. This variant is reported in 0.035% of alleles in individuals of East Asian descent in gnomAD. At this time, the clinical significance of this variant is uncertain due to the absence of conclusive functional and genetic evidence.

GeneDx
Classification: Uncertain significance. Last evaluated: 2024-03-13. Review status: criteria provided, single submitter. Criteria: GeneDx Variant Classification Process June 2021. Collection method: clinical testing. Allele origin: germline. Affected: yes.
Comment: Has not been previously published as pathogenic or benign in patients with inherited retinal disease to our knowledge; In silico analysis supports that this missense variant has a deleterious effect on protein structure/function; This variant is associated with the following publications: (PMID: 31695380)

Dept Of Ophthalmology, Nagoya University
Classification: Uncertain significance for Retinal dystrophy. Last evaluated: 2023-10-01. Review status: criteria provided, single submitter. Criteria: Submitter's publication. Collection method: research. Allele origin: germline. Affected: yes.

Labcorp Genetics (formerly Invitae), Labcorp
Classification: Uncertain significance for Leber congenital amaurosis 3. Last evaluated: 2022-11-01. Review status: criteria provided, single submitter. Criteria: Invitae Variant Classification Sherloc (09022015). Collection method: clinical testing. Allele origin: germline.
Comment: In summary, the available evidence is currently insufficient to determine the role of this variant in disease. Therefore, it has been classified as a Variant of Uncertain Significance. Advanced modeling of protein sequence and biophysical properties (such as structural, functional, and spatial information, amino acid conservation, physicochemical variation, residue mobility, and thermodynamic stability) performed at Invitae indicates that this missense variant is expected to disrupt SPATA7 protein function. ClinVar contains an entry for this variant (Variation ID: 886685). This variant has not been reported in the literature in individuals affected with SPATA7-related conditions. This variant is present in population databases (rs769211713, gnomAD 0.04%). This sequence change replaces aspartic acid, which is acidic and polar, with valine, which is neutral and non-polar, at codon 297 of the SPATA7 protein (p.Asp297Val).

Blueprint Genetics
Classification: Uncertain significance. Last evaluated: 2019-01-30. Review status: criteria provided, single submitter. Criteria: ACMG Guidelines, 2015. Collection method: clinical testing. Allele origin: germline.

Illumina Laboratory Services, Illumina
Classification: Uncertain significance for Leber congenital amaurosis 3. Last evaluated: 2018-01-13. Review status: criteria provided, single submitter. Criteria: ICSL Variant Classification Criteria 13 December 2019. Collection method: clinical testing. Allele origin: germline.

Illumina Laboratory Services, Illumina
Classification: Uncertain significance for Retinitis pigmentosa. Last evaluated: 2018-01-13. Review status: criteria provided, single submitter. Criteria: ICSL Variant Classification Criteria 13 December 2019. Collection method: clinical testing. Allele origin: germline.